The following is an entry in ClinVar:

ClinVar aggregate classification (germline): Uncertain significance. Review status: criteria provided, multiple submitters, no conflicts (2 of 4 stars). 2 submissions from 2 submitters: Uncertain significance (2). Last evaluated 2025-09-09.

Allele frequency attached by ClinVar (database versions not stated): gnomAD exomes 0.00003; gnomAD 0.00001.
gnomAD v4.1: 45 of 1,609,066 alleles (0.0028%); highest among the groups gnomAD compares: Non-Finnish European, 0.0036%; no homozygotes.

Submissions (2):

Ambry Genetics
Classification: Uncertain significance. Last evaluated: 2025-09-09. Review status: criteria provided, single submitter. Criteria: Ambry Variant Classification Scheme 2023. Collection method: clinical testing. Allele origin: germline.

Labcorp Genetics (formerly Invitae), Labcorp
Classification: Uncertain significance. Last evaluated: 2022-08-10. Review status: criteria provided, single submitter. Criteria: Invitae Variant Classification Sherloc (09022015). Collection method: clinical testing. Allele origin: germline.
Comment: In summary, the available evidence is currently insufficient to determine the role of this variant in disease. Therefore, it has been classified as a Variant of Uncertain Significance. Algorithms developed to predict the effect of sequence changes on RNA splicing suggest that this variant may disrupt the consensus splice site. Algorithms developed to predict the effect of missense changes on protein structure and function are either unavailable or do not agree on the potential impact of this missense change (SIFT: "Deleterious"; PolyPhen-2: "Probably Damaging"; Align-GVGD: "Class C15"). This variant has not been reported in the literature in individuals affected with SLC25A21-related conditions. This variant is present in population databases (no rsID available, gnomAD 0.002%). This sequence change replaces threonine, which is neutral and polar, with isoleucine, which is neutral and non-polar, at codon 253 of the SLC25A21 protein (p.Thr253Ile).

NM_030631.4(SLC25A21):c.758C>T (p.Thr253Ile)

Gene: SLC25A21 (solute carrier family 25 member 21; minus strand). Cytogenetic location: 14q13.3.
Variant type: single nucleotide variant.
Coding change: c.758C>T on transcript NM_030631.4 (MANE Select); coding-DNA position 758, C replaced by T.
Protein change: p.Thr253Ile; replaces threonine 253 with isoleucine.
Molecular consequence: missense variant.
Genome position (GRCh38, 1-based): chr14:36,684,771, G>A on the plus strand (C>T on the coding strand, the complement: SLC25A21 is on the minus strand). VCF-style: chr14-36684771-G-A. GRCh37 (hg19) VCF-style: chr14-37153976-G-A.
Other names: c.758C>T, p.Thr253Ile (NM_001171170.2); c.758C>T (NM_030631.3); short protein forms T253I.
Identifiers: ClinVar variation 1921482 (VCV001921482.6), dbSNP rs1376875094, ClinGen allele CA389465163.